The following is an entry in ClinVar:

NM_000789.4(ACE):c.1775A>T (p.Asp592Val)

Gene: ACE (angiotensin I converting enzyme; plus strand). Cytogenetic location: 17q23.3.
Variant type: single nucleotide variant.
Coding change: c.1775A>T on transcript NM_000789.4 (MANE Select); coding-DNA position 1775, A replaced by T.
Protein change: p.Asp592Val; replaces aspartic acid 592 with valine.
Molecular consequence: missense variant.
Genome position (GRCh38, 1-based): chr17:63,484,395, A>T. VCF-style: chr17-63484395-A-T. GRCh37 (hg19) VCF-style: chr17-61561756-A-T.
Other names: c.1208A>T, p.Asp403Val (NM_001382700.1); c.923A>T, p.Asp308Val (NM_001382701.1); short protein forms D308V, D403V, D592V.
Identifiers: ClinVar variation 4765667 (VCV004765667.1).

ClinVar aggregate classification (germline): Uncertain significance (1 of 4 stars; one submission).

gnomAD v4.1: 7 of 1,612,004 alleles (0.00043%); highest among the groups gnomAD compares: South Asian, 0.0066%; no homozygotes.

Submission:

Labcorp Genetics (formerly Invitae), Labcorp
Classification: Uncertain significance. Last evaluated: 2025-12-25. Review status: criteria provided, single submitter. Criteria: Invitae Variant Classification Sherloc (09022015). Collection method: clinical testing. Allele origin: germline.
Comment: This sequence change replaces aspartic acid, which is acidic and polar, with valine, which is neutral and non-polar, at codon 592 of the ACE protein (p.Asp592Val). This variant is present in population databases (rs12709426, gnomAD 0.007%). This variant has not been reported in the literature in individuals affected with ACE-related conditions. Invitae Evidence Modeling of protein sequence and biophysical properties (such as structural, functional, and spatial information, amino acid conservation, physicochemical variation, residue mobility, and thermodynamic stability) indicates that this missense variant is not expected to disrupt ACE protein function with a negative predictive value of 80%. In summary, the available evidence is currently insufficient to determine the role of this variant in disease. Therefore, it has been classified as a Variant of Uncertain Significance.